The following is an entry in ClinVar:

NM_005050.4(ABCD4):c.708del (p.Ala237fs)

Gene: ABCD4 (ATP binding cassette subfamily D member 4; minus strand). Cytogenetic location: 14q24.3.
Variant type: Deletion.
Coding change: c.708del on transcript NM_005050.4 (MANE Select); coding-DNA position 708, one base deleted (T; older notation c.708delT).
Protein change: p.Ala237fs; shifts the reading frame from alanine 237.
Molecular consequence: frameshift variant. On other transcripts: non-coding transcript variant (9), intron variant (2).
Genome position (GRCh38, 1-based): chr14:74,295,159, A deleted on the plus strand (T on the coding strand, the reverse complement: ABCD4 is on the minus strand). VCF-style (leftmost placement, unchanged base first): chr14-74295158-CA-C. GRCh37 (hg19) VCF-style: chr14-74761861-CA-C.
Other names: c.582del, p.Ala195fs (NM_001353591.2, NM_001353592.2); c.447del, p.Ala150fs (NM_001353593.2); c.294del, p.Ala99fs (NM_001353595.2, NM_001353596.2); c.14del, p.Leu5fs (NM_001353607.2, NM_001353608.2, NM_001353609.2 and 6 more transcripts); c.231del, p.Ala78fs (NM_020324.3, NM_001353598.2, NM_001353599.2 and 2 more transcripts); c.708del, p.Ala237fs (NM_020325.3); c.407+695del (NM_001353594.2); c.254+695del (NM_001353597.2); and 1 more; short protein forms A150fs, A195fs, A99fs, A237fs, A78fs, L5fs.
Identifiers: ClinVar variation 3576741 (VCV003576741.2).

ClinVar aggregate classification (germline): Likely pathogenic. Review status: criteria provided, multiple submitters, no conflicts (2 of 4 stars). 2 submissions from 2 submitters: Likely pathogenic (2). Last evaluated 2025-07-18.

Conditions:
Methylmalonic acidemia with homocystinuria, type cblJ (MAHCJ). Also called: METHYLMALONIC ACIDURIA AND HOMOCYSTINURIA, cblJ TYPE. Identifiers: Orphanet 369955, MedGen C3553915, MONDO:0013925, OMIM 614857.

Submissions (2):

First Genomix Gene Laboratory, Genetic Diagnostics Department
Classification: Likely pathogenic for Methylmalonic acidemia with homocystinuria, type cblJ. Last evaluated: 2025-07-18. Review status: criteria provided, single submitter. Criteria: ACMG Guidelines, 2015. Collection method: clinical testing. Allele origin: germline. Inheritance: Autosomal recessive inheritance. Affected: no. Observed: 1 variant allele.

Fulgent Genetics
Classification: Likely pathogenic for Methylmalonic acidemia with homocystinuria, type cblJ. Last evaluated: 2024-01-27. Review status: criteria provided, single submitter. Criteria: ACMG Guidelines, 2015. Collection method: clinical testing. Allele origin: germline.